The following is an entry in ClinVar:

ClinVar aggregate classification (germline): Uncertain significance (1 of 4 stars; one submission).

Conditions:
Leigh syndrome (NULS). Also called: Leigh's necrotizing encephalopathy; Leigh's disease; Leigh Syndrome (mtDNA deletion); Leigh Disease; Subacute necrotizing encephalopathy; Necrotizing encephalopathy infantile subacute of Leigh. Identifiers: Orphanet 506, MedGen C2931891, MONDO:0009723, OMIM 256000.

Submission:

Wong Mito Lab, Molecular and Human Genetics, Baylor College of Medicine
Classification: Uncertain significance for Leigh syndrome. Last evaluated: 2019-10-17. Review status: criteria provided, single submitter. Criteria: Modified ACMG Guidelines (Unpublished). Collection method: clinical testing. Allele origin: germline.
Comment: The NC_012920.1:m.13204G>C (YP_003024036.1:p.Val290Leu) variant in MTND5 gene is interpretated to be a Uncertain Significance variant based on the modified ACMG guidelines (unpublished). This variant meets the following evidence codes: PP7, BP4

NC_012920.1(MT-ND5):m.13204G>C

Gene: MT-ND5 (mitochondrially encoded NADH dehydrogenase 5; plus strand).
Variant type: single nucleotide variant.
Genome position: chrM-13204-G-C.
Identifiers: ClinVar variation 693536 (VCV000693536.1), dbSNP rs1603224089, ClinGen allele CA414816932.
Genomic context (GRCh38, chrMT:13,204, plus strand): 5'-AGCCCACTAATCCAAACTCTAACACTATGCTTAGGCGCTATCACCACTCTGTTCGCAGCA[G>C]TCTGCGCCCTTACACAAAATGACATCAAAAAAATCGTAGCCTTCTCCACTTCAAGTCAAC-3'